The following is an entry in ClinVar:

ClinVar aggregate classification (germline): Likely benign (1 of 4 stars; one submission).

Submission:

CeGaT Center for Human Genetics Tuebingen
Classification: Likely benign. Last evaluated: 2022-08-01. Review status: criteria provided, single submitter. Criteria: CeGaT Center For Human Genetics Tuebingen Variant Classification Criteria Version 2. Collection method: clinical testing. Allele origin: germline. Affected: yes. Observed: 1 variant allele.
Comment: FRY: PM2:Supporting, BP4, BP7

NM_023037.3(FRY):c.282G>A (p.Leu94=)

Gene: FRY (FRY microtubule binding protein; plus strand). Cytogenetic location: 13q13.1.
Variant type: single nucleotide variant.
Coding change: c.282G>A on transcript NM_023037.3 (MANE Select); coding-DNA position 282, G replaced by A.
Protein change: p.Leu94=; no amino-acid change (leucine 94 retained).
Molecular consequence: synonymous variant.
Genome position (GRCh38, 1-based): chr13:32,101,974, G>A. VCF-style: chr13-32101974-G-A. GRCh37 (hg19) VCF-style: chr13-32676111-G-A.
Other names: c.282G>A, p.Leu94= (NM_001411012.1).
Identifiers: ClinVar variation 2643721 (VCV002643721.24), dbSNP rs2500515424, ClinGen allele CA483258841.